The following is an entry in ClinVar:

NM_017612.5(ZCCHC8):c.163C>T (p.Gln55Ter)

Gene: ZCCHC8 (zinc finger CCHC-type containing 8; minus strand). Cytogenetic location: 12q24.31.
Variant type: single nucleotide variant.
Coding change: c.163C>T on transcript NM_017612.5 (MANE Select); coding-DNA position 163, C replaced by T.
Protein change: p.Gln55Ter; replaces glutamine 55 with a stop codon.
Molecular consequence: nonsense. On other transcripts: 5 prime UTR variant (3).
Genome position (GRCh38, 1-based): chr12:122,500,678, G>A on the plus strand (C>T on the coding strand, the complement: ZCCHC8 is on the minus strand). VCF-style: chr12-122500678-G-A. GRCh37 (hg19) VCF-style: chr12-122985225-G-A.
Other names: c.163C>T, p.Gln55Ter (NM_001350935.2); c.-761C>T (NM_001350936.2); c.-382C>T (NM_001350937.2); c.-276C>T (NM_001350938.2); short protein forms Q55*.
Identifiers: ClinVar variation 1467745 (VCV001467745.6), dbSNP rs1368685788, ClinGen allele CA482210542.

ClinVar aggregate classification (germline): Uncertain significance (1 of 4 stars; one submission).

Submission:

Labcorp Genetics (formerly Invitae), Labcorp
Classification: Uncertain significance. Last evaluated: 2021-07-14. Review status: criteria provided, single submitter. Criteria: Invitae Variant Classification Sherloc (09022015). Collection method: clinical testing. Allele origin: germline.
Comment: In summary, the available evidence is currently insufficient to determine the role of this variant in disease. Therefore, it has been classified as a Variant of Uncertain Significance. This sequence change creates a premature translational stop signal (p.Gln55*) in the ZCCHC8 gene. It is expected to result in an absent or disrupted protein product. However, the current clinical and genetic evidence is not sufficient to establish whether loss-of-function variants in ZCCHC8 cause disease. This variant is not present in population databases (ExAC no frequency). This variant has not been reported in the literature in individuals with ZCCHC8-related conditions. Algorithms developed to predict the effect of sequence changes on RNA splicing suggest that this variant may create or strengthen a splice site, but this prediction has not been confirmed by published transcriptional studies.